The following is an entry in ClinVar:

NM_000426.4(LAMA2):c.5126_5133del (p.Ala1709fs)

Gene: LAMA2 (laminin subunit alpha 2; plus strand). Cytogenetic location: 6q22.33.
Variant type: Deletion.
Coding change: c.5126_5133del on transcript NM_000426.4 (MANE Select); coding-DNA positions 5126 to 5133, 8 bases deleted (CCTTTGAG; older notation c.5126_5133delCCTTTGAG).
Protein change: p.Ala1709fs; shifts the reading frame from alanine 1709.
Molecular consequence: frameshift variant.
Genome position (GRCh38, 1-based): chr6:129,391,545-129,391,552, CCTTTGAG deleted; deleting any 8 consecutive bases within chr6:129,391,544-129,391,552 gives the same sequence; the c. name uses the placement nearest the transcript's 3' end. VCF-style (leftmost placement, unchanged base first): chr6-129391543-GGCCTTTGA-G. GRCh37 (hg19) VCF-style: chr6-129712688-GGCCTTTGA-G.
Other names: c.5126_5133del, p.Ala1709fs (NM_001079823.2); short protein forms A1709fs.
Identifiers: ClinVar variation 4533246 (VCV004533246.1).
Genomic context (GRCh38, chr6:129,391,543, plus strand): 5'-CCCTGCAGCTGTAAATGAAAAAGCTATAAAACTAAATGAAACTCTAGGAACTCGAGACGA[GGCCTTTGA>G]GAGAAATTTGGAAGGGCTTCAGAAAGAGATTGACCAGATGATTAAAGAACTGAGGAGGAA-3'

ClinVar aggregate classification (germline): Likely pathogenic (1 of 4 stars; one submission).

Conditions:
Merosin deficient congenital muscular dystrophy (MDC1A). Also called: Congenital merosin-deficient muscular dystrophy 1A; Congenital Muscular Dystrophy Type 1A (MDC1A). Identifiers: Orphanet 258, MedGen C1263858, MONDO:0011925, OMIM 607855.
Muscular dystrophy, limb-girdle, autosomal recessive 23. Identifiers: Orphanet 565837, MedGen C4748327, MONDO:0029136, OMIM 618138.

Submission:

Juno Genomics, Hangzhou Juno Genomics, Inc
Classification: Likely pathogenic for Merosin deficient congenital muscular dystrophy; Muscular dystrophy, limb-girdle, autosomal recessive 23. Review status: criteria provided, single submitter. Criteria: ACMG Guidelines, 2015. Collection method: clinical testing. Allele origin: germline. Affected: yes.
Comment: Absent from controls (or at extremely low frequency if recessive) in Genome Aggregation Database, Exome Sequencing Project, 1000 Genomes Project, or Exome Aggregation Consortium.;Null variant in a gene where loss of function (LOF) is a known mechanism of disease.